The following is an entry in ClinVar:

NM_001972.4(ELANE):c.358A>T (p.Ile120Phe)

Gene: ELANE (elastase, neutrophil expressed; plus strand). Cytogenetic location: 19p13.3.
Variant type: single nucleotide variant.
Coding change: c.358A>T on transcript NM_001972.4 (MANE Select); coding-DNA position 358, A replaced by T.
Protein change: p.Ile120Phe; replaces isoleucine 120 with phenylalanine.
Molecular consequence: missense variant.
Genome position (GRCh38, 1-based): chr19:853,395, A>T. VCF-style: chr19-853395-A-T. GRCh37 (hg19) VCF-style: chr19-853395-A-T.
Other names: c.358A>T (LRG_57t1); short protein forms I120F.
Identifiers: ClinVar variation 429670 (VCV000429670.3), dbSNP rs1131691520, ClinGen allele CA402916404.
Genomic context (GRCh38, chr19:853,395, plus strand): 5'-GCCGTGCAGCGCATCTTCGAAAACGGCTACGACCCCGTAAACTTGCTCAACGACATCGTG[A>T]TTCTCCAGGTGCCGCCGGGCGGGGCGGGGGGCGCAGGGGCGGAGGCCAGAGGCCTGGGGA-3'
Protein context (NP_001963.1, residues 110-130): DPVNLLNDIV[Ile120Phe]LQLNGSATIN

ClinVar aggregate classification (germline): Uncertain significance (1 of 4 stars; one submission).

Submission:

GeneDx
Classification: Uncertain significance. Last evaluated: 2020-10-05. Review status: criteria provided, single submitter. Criteria: GeneDx Variant Classification Process June 2021. Collection method: clinical testing. Allele origin: germline. Affected: yes.
Comment: Not observed in large population cohorts (Lek et al., 2016); In silico analysis supports that this missense variant does not alter protein structure/function; This variant is associated with the following publications: (PMID: 23463630, 25427142)